The following is an entry in ClinVar:

ClinVar aggregate classification (germline): Uncertain significance (1 of 4 stars; one submission).

Conditions:
Baller-Gerold syndrome (BGS). Also called: CRANIOSYNOSTOSIS WITH RADIAL DEFECTS. Identifiers: Orphanet 1225, MedGen C0265308, MONDO:0009039, OMIM 218600.

Allele frequency attached by ClinVar (database versions not stated): gnomAD exomes below 0.00001 and 0.00001.
gnomAD v4.1: 8 of 1,612,802 alleles (0.0005%); highest among the groups gnomAD compares: Non-Finnish European, 0.00068%; no homozygotes.

Submission:

Labcorp Genetics (formerly Invitae), Labcorp
Classification: Uncertain significance for Baller-Gerold syndrome. Last evaluated: 2023-12-04. Review status: criteria provided, single submitter. Criteria: Invitae Variant Classification Sherloc (09022015). Collection method: clinical testing. Allele origin: germline.
Comment: This sequence change replaces threonine, which is neutral and polar, with arginine, which is basic and polar, at codon 425 of the RECQL4 protein (p.Thr425Arg). This variant is present in population databases (no rsID available, gnomAD 0.0009%). This variant has not been reported in the literature in individuals affected with RECQL4-related conditions. ClinVar contains an entry for this variant (Variation ID: 1432318). Advanced modeling of protein sequence and biophysical properties (such as structural, functional, and spatial information, amino acid conservation, physicochemical variation, residue mobility, and thermodynamic stability) performed at Invitae indicates that this missense variant is not expected to disrupt RECQL4 protein function with a negative predictive value of 80%. In summary, the available evidence is currently insufficient to determine the role of this variant in disease. Therefore, it has been classified as a Variant of Uncertain Significance.

NM_004260.4(RECQL4):c.1274C>G (p.Thr425Arg)

Gene: RECQL4 (RecQ like helicase 4; minus strand). Cytogenetic location: 8q24.3.
Variant type: single nucleotide variant.
Coding change: c.1274C>G on transcript NM_004260.4 (MANE Select); coding-DNA position 1274, C replaced by G.
Protein change: p.Thr425Arg; replaces threonine 425 with arginine.
Molecular consequence: missense variant.
Genome position (GRCh38, 1-based): chr8:144,515,442, G>C on the plus strand (C>G on the coding strand, the complement: RECQL4 is on the minus strand). VCF-style: chr8-144515442-G-C. GRCh37 (hg19) VCF-style: chr8-145740826-G-C.
Other names: short protein forms T425R.
Identifiers: ClinVar variation 1432318 (VCV001432318.6), dbSNP rs1266028485, ClinGen allele CA372685981.